The following is an entry in ClinVar:

ClinVar aggregate classification (germline): Pathogenic. Review status: criteria provided, multiple submitters, no conflicts (2 of 4 stars). 2 submissions from 2 submitters: Pathogenic (2). Last evaluated 2022-04-01.

Conditions:
Coffin-Lowry syndrome (CLS). Also called: Mental retardation with osteocartilaginous abnormalities; COFFIN-LOWRY SYNDROME, MILD. Identifiers: Orphanet 192, MedGen C0265252, MONDO:0010561, OMIM 303600.

Submissions (2):

CeGaT Center for Human Genetics Tuebingen
Classification: Pathogenic. Last evaluated: 2022-04-01. Review status: criteria provided, single submitter. Criteria: CeGaT Center For Human Genetics Tuebingen Variant Classification Criteria Version 2. Collection method: clinical testing. Allele origin: germline. Affected: yes. Observed: 1 variant allele.
Comment: RPS6KA3: PVS1, PM2, PS2:Moderate, PS3:Supporting

Juno Genomics, Hangzhou Juno Genomics, Inc
Classification: Pathogenic for Coffin-Lowry syndrome. Review status: criteria provided, single submitter. Criteria: ACMG Guidelines, 2015. Collection method: clinical testing. Allele origin: germline. Affected: yes.
Comment: Absent from controls (or at extremely low frequency if recessive) in Genome Aggregation Database, Exome Sequencing Project, 1000 Genomes Project, or Exome Aggregation Consortium.;Null variant in a gene where loss of function (LOF) is a known mechanism of disease.;The prevalence of the variant in affected individuals is significantly increased compared to the prevalence in controls.;De novo (both maternity and paternity confirmed) in a patient with the disease and no family history.

NM_004586.3(RPS6KA3):c.262dup (p.Ile88fs)

Gene: RPS6KA3 (ribosomal protein S6 kinase A3; minus strand). Cytogenetic location: Xp22.12.
Variant type: Duplication.
Coding change: c.262dup on transcript NM_004586.3 (MANE Select); coding-DNA position 262, one base duplicated (A; older notation c.262dupA).
Protein change: p.Ile88fs; shifts the reading frame from isoleucine 88.
Molecular consequence: frameshift variant.
Genome position (GRCh38, 1-based): chrX:20,204,085, T duplicated on the plus strand (A on the coding strand, the reverse complement: RPS6KA3 is on the minus strand); the first of 7 consecutive T bases (chrX:20,204,085-20,204,091); duplicating any one gives the same sequence. VCF-style (leftmost placement, unchanged base first): chrX-20204084-A-AT. GRCh37 (hg19) VCF-style: chrX-20222202-A-AT.
Other names: short protein forms I88fs.
Identifiers: ClinVar variation 1695288 (VCV001695288.32), dbSNP rs2148721928, ClinGen allele CA2580100450.